The following is an entry in ClinVar:

NM_001128148.3(TFRC):c.164A>G (p.Asn55Ser)

Gene: TFRC (transferrin receptor; minus strand). Cytogenetic location: 3q29.
Variant type: single nucleotide variant.
Coding change: c.164A>G on transcript NM_001128148.3 (MANE Select); coding-DNA position 164, A replaced by G.
Protein change: p.Asn55Ser; replaces asparagine 55 with serine.
Molecular consequence: missense variant. On other transcripts: intron variant (2).
Genome position (GRCh38, 1-based): chr3:196,075,233, T>C on the plus strand (A>G on the coding strand, the complement: TFRC is on the minus strand). VCF-style: chr3-196075233-T-C. GRCh37 (hg19) VCF-style: chr3-195802104-T-C.
Other names: c.164A>G, p.Asn55Ser (NM_003234.4); c.-413+1831A>G (NM_001313966.2); c.-5-1108A>G (NM_001313965.2); short protein forms N55S.
Identifiers: ClinVar variation 4775492 (VCV004775492.2).

ClinVar aggregate classification (germline): Conflicting classifications of pathogenicity. Review status: criteria provided, conflicting classifications (1 of 4 stars). 2 submissions from 2 submitters: Uncertain significance (1); Likely benign (1). Last evaluated 2025-12-22.

Submissions (2):

Labcorp Genetics (formerly Invitae), Labcorp
Classification: Uncertain significance. Last evaluated: 2025-12-22. Review status: criteria provided, single submitter. Criteria: Invitae Variant Classification Sherloc (09022015). Collection method: clinical testing. Allele origin: germline.
Comment: This sequence change replaces asparagine, which is neutral and polar, with serine, which is neutral and polar, at codon 55 of the TFRC protein (p.Asn55Ser). This variant is present in population databases (no rsID available, gnomAD 0.006%). This variant has not been reported in the literature in individuals affected with TFRC-related conditions. An algorithm developed to predict the effect of missense changes on protein structure and function outputs the following: PolyPhen-2: "Benign". The serine amino acid residue is found in multiple mammalian species, which suggests that this missense change does not adversely affect protein function. In summary, the available evidence is currently insufficient to determine the role of this variant in disease. Therefore, it has been classified as a Variant of Uncertain Significance.

Blueprint Genetics
Classification: Likely benign. Last evaluated: 2023-09-04. Review status: criteria provided, single submitter. Criteria: ACMG Guidelines, 2015. Collection method: clinical testing. Allele origin: germline.